The following is an entry in ClinVar:

ClinVar aggregate classification (germline): Likely benign (0 of 4 stars; one submission).

Conditions:
LEPR-related disorder. Also called: LEPR-related condition; LEPR-related disorders.

Submission:

PreventionGenetics, part of Exact Sciences
Classification: Likely benign for LEPR-related condition. Last evaluated: 2021-08-10. Review status: no assertion criteria provided. Collection method: clinical testing. Allele origin: germline.
Comment: This variant is classified as likely benign based on ACMG/AMP sequence variant interpretation guidelines (Richards et al. 2015 PMID: 25741868, with internal and published modifications).

NM_002303.6(LEPR):c.371-16_371-9del

Gene: LEPR (leptin receptor; plus strand). Cytogenetic location: 1p31.3.
Variant type: Deletion.
Coding change: c.371-16_371-9del on transcript NM_002303.6 (MANE Select); 16 bases into the intron before coding-DNA position 371 through 9 bases into the intron before coding-DNA position 371, 8 bases deleted (TTTTTTTT; older notation c.371-16_371-9delTTTTTTTT).
Molecular consequence: intron variant.
Genome position (GRCh38, 1-based): chr1:65,572,310-65,572,317, TTTTTTTT deleted; deleting any 8 consecutive bases within chr1:65,572,291-65,572,317 gives the same sequence; the c. name uses the placement nearest the transcript's 3' end. VCF-style (leftmost placement, unchanged base first): chr1-65572290-GTTTTTTTT-G. GRCh37 (hg19) VCF-style: chr1-66037973-GTTTTTTTT-G.
Other names: c.371-16_371-9del (NM_001003679.3, NM_001003680.3, NM_001198689.2 and 2 more transcripts).
Identifiers: ClinVar variation 3351282 (VCV003351282.1).